The following is an entry in ClinVar:

NM_005428.4(VAV1):c.1266-3C>T

Gene: VAV1 (vav guanine nucleotide exchange factor 1; plus strand). Cytogenetic location: 19p13.3.
Variant type: single nucleotide variant.
Coding change: c.1266-3C>T on transcript NM_005428.4 (MANE Select); 3 bases into the intron before coding-DNA position 1266, C replaced by T.
Molecular consequence: intron variant.
Genome position (GRCh38, 1-based): chr19:6,829,783, C>T. VCF-style: chr19-6829783-C-T. GRCh37 (hg19) VCF-style: chr19-6829794-C-T.
Other names: c.1266-3C>T (NM_001258206.2); c.1170-3C>T (NM_001258207.2).
Identifiers: ClinVar variation 4776520 (VCV004776520.1).

ClinVar aggregate classification (germline): Uncertain significance (1 of 4 stars; one submission).

Submission:

Labcorp Genetics (formerly Invitae), Labcorp
Classification: Uncertain significance. Last evaluated: 2025-06-09. Review status: criteria provided, single submitter. Criteria: Invitae Variant Classification Sherloc (09022015). Collection method: clinical testing. Allele origin: germline.
Comment: This sequence change falls in intron 13 of the VAV1 gene. It does not directly change the encoded amino acid sequence of the VAV1 protein. It affects a nucleotide within the consensus splice site. This variant is not present in population databases (gnomAD no frequency). This variant has not been reported in the literature in individuals affected with VAV1-related conditions. Variants that disrupt the consensus splice site are a relatively common cause of aberrant splicing (PMID: 17576681, 9536098). Algorithms developed to predict the effect of sequence changes on RNA splicing suggest that this variant is not likely to affect RNA splicing. In summary, the available evidence is currently insufficient to determine the role of this variant in disease. Therefore, it has been classified as a Variant of Uncertain Significance.

Literature cited by the submitters: PubMed 17576681; PubMed 9536098.